The following is an entry in ClinVar:

ClinVar aggregate classification (germline): Uncertain significance (1 of 4 stars; one submission).

Allele frequency attached by ClinVar (database versions not stated): gnomAD 0.00001; TOPMed 0.00001.
gnomAD v4.1: 5 of 1,613,658 alleles (0.00031%); highest among the groups gnomAD compares: South Asian, 0.0022%; no homozygotes.

Submission:

Labcorp Genetics (formerly Invitae), Labcorp
Classification: Uncertain significance. Last evaluated: 2021-12-22. Review status: criteria provided, single submitter. Criteria: Invitae Variant Classification Sherloc (09022015). Collection method: clinical testing. Allele origin: germline.
Comment: This sequence change replaces glycine, which is neutral and non-polar, with glutamic acid, which is acidic and polar, at codon 1515 of the MPDZ protein (p.Gly1515Glu). This variant is not present in population databases (gnomAD no frequency). This variant has not been reported in the literature in individuals affected with MPDZ-related conditions. Algorithms developed to predict the effect of missense changes on protein structure and function (SIFT, PolyPhen-2, Align-GVGD) all suggest that this variant is likely to be disruptive. In summary, the available evidence is currently insufficient to determine the role of this variant in disease. Therefore, it has been classified as a Variant of Uncertain Significance.

NM_001378778.1(MPDZ):c.4544G>A (p.Gly1515Glu)

Gene: MPDZ (multiple PDZ domain crumbs cell polarity complex component; minus strand). Cytogenetic location: 9p23.
Variant type: single nucleotide variant.
Coding change: c.4544G>A on transcript NM_001378778.1 (MANE Select); coding-DNA position 4544, G replaced by A.
Protein change: p.Gly1515Glu; replaces glycine 1515 with glutamic acid.
Molecular consequence: missense variant.
Genome position (GRCh38, 1-based): chr9:13,126,693, C>T on the plus strand (G>A on the coding strand, the complement: MPDZ is on the minus strand). VCF-style: chr9-13126693-C-T. GRCh37 (hg19) VCF-style: chr9-13126692-C-T.
Other names: c.4445G>A, p.Gly1482Glu (NM_001261406.2, NM_001261407.2, NM_001375416.1 and 3 more transcripts); c.4544G>A, p.Gly1515Glu (NM_001330637.2, NM_003829.5); c.4643G>A, p.Gly1548Glu (NM_001375413.1); c.4334G>A, p.Gly1445Glu (NM_001375420.1, NM_001375421.1, NM_001375422.1 and 4 more transcripts); c.4136G>A, p.Gly1379Glu (NM_001375427.1); short protein forms G1379E, G1548E, G1445E, G1482E, G1515E.
Identifiers: ClinVar variation 2187759 (VCV002187759.1), dbSNP rs1429140971, ClinGen allele CA372947072.